The following is an entry in ClinVar:

NM_182480.3(COQ6):c.41G>A (p.Trp14Ter)

Gene: COQ6 (coenzyme Q6, monooxygenase; plus strand). Cytogenetic location: 14q24.3.
Variant type: single nucleotide variant.
Coding change: c.41G>A on transcript NM_182480.3; coding-DNA position 41, G replaced by A.
Protein change: p.Trp14Ter; replaces tryptophan 14 with a stop codon.
Molecular consequence: nonsense. On other transcripts: 5 prime UTR variant (2).
Genome position (GRCh38, 1-based): chr14:73,950,133, G>A. VCF-style: chr14-73950133-G-A. GRCh37 (hg19) VCF-style: chr14-74416836-G-A.
Other names: c.41G>A, p.Trp14Ter (NM_001425258.1); c.-51G>A (NM_001425259.1, NM_001425261.1); short protein forms W14*.
Identifiers: ClinVar variation 136986 (VCV000136986.11), dbSNP rs17094161, ClinGen allele CA290442.
Genomic context (GRCh38, chr14:73,950,133, plus strand): 5'-CAGCGGTGGCAGCGAGAGCTATGCGGGGCCAGGGTCCACCCCTTTCTAGCTTTGGCGTCT[G>A]GTTGGCTTCCAGGGCAGCCTCCGATCCATCCCGCCCGAGGAGGCAAGGTTCGTTTTCCGA-3'

ClinVar aggregate classification (germline): Benign. Review status: criteria provided, multiple submitters, no conflicts (2 of 4 stars). 5 submissions from 5 submitters: Benign (4). 1 of the submissions does not count toward it. Last evaluated 2020-01-02.

Conditions:
COQ6-related disorder. Also called: COQ6-related condition.
Familial steroid-resistant nephrotic syndrome with sensorineural deafness. Identifiers: Orphanet 280406, MedGen C3553349, MONDO:0013836, OMIM 614650.

Allele frequency attached by ClinVar (database versions not stated): TOPMed 0.01756; 1000 Genomes Project 30x 0.01780; gnomAD exomes 0.00402; 1000 Genomes Project 0.01757; gnomAD 0.01566 and 0.01687; ExAC 0.00596.
gnomAD v4.1: 5,009 of 1,598,314 alleles (0.31%); highest among the groups gnomAD compares: African/African-American, 5.5%; 136 homozygotes.

Submissions (5):

Dubai Health Genomic Medicine Center, Dubai Health
Classification: Benign. Last evaluated: 2020-01-02. Review status: criteria provided, single submitter. Criteria: ACMG Guidelines, 2015. Collection method: clinical testing. Allele origin: germline. Affected: yes.

Centre for Mendelian Genomics, University Medical Centre Ljubljana
Classification: Benign for Familial steroid-resistant nephrotic syndrome with sensorineural deafness. Last evaluated: 2019-05-07. Review status: criteria provided, single submitter. Criteria: ACMG Guidelines, 2015. Collection method: clinical testing. Allele origin: unknown. Affected: yes.
Comment: This variant was classified as: Benign. The following ACMG criteria were applied in classifying this variant: BS1,BS2.

GeneDx
Classification: Benign. Last evaluated: 2014-06-06. Review status: criteria provided, single submitter. Criteria: GeneDx Variant Classification (06012015). Collection method: clinical testing. Allele origin: germline. Affected: yes.
Comment: This variant is considered likely benign or benign based on one or more of the following criteria: it is a conservative change, it occurs at a poorly conserved position in the protein, it is predicted to be benign by multiple in silico algorithms, and/or has population frequency not consistent with disease.

Breakthrough Genomics
Classification: Benign. Review status: criteria provided, single submitter. Criteria: ACMG Guidelines, 2015. Collection method: not provided. Allele origin: germline. Inheritance: Autosomal recessive inheritance. Affected: yes.

PreventionGenetics, part of Exact Sciences
Classification: Benign for COQ6-related condition. Last evaluated: 2019-07-09. Review status: no assertion criteria provided. Collection method: clinical testing. Allele origin: germline. Not counted in ClinVar's aggregate classification.
Comment: This variant is classified as benign based on ACMG/AMP sequence variant interpretation guidelines (Richards et al. 2015 PMID: 25741868, with internal and published modifications).